The following is an entry in ClinVar:

ClinVar aggregate classification (germline): Likely benign. Review status: criteria provided, multiple submitters, no conflicts (2 of 4 stars). 2 submissions from 2 submitters: Likely benign (2). Last evaluated 2025-12-29.

Allele frequency attached by ClinVar (database versions not stated): ExAC 0.00002; gnomAD exomes 0.00002 and 0.00004; TOPMed 0.00002.
gnomAD v4.1: 64 of 1,613,418 alleles (0.004%); highest among the groups gnomAD compares: Middle Eastern, 0.05%; no homozygotes.

Submissions (2):

Labcorp Genetics (formerly Invitae), Labcorp
Classification: Likely benign. Last evaluated: 2025-12-29. Review status: criteria provided, single submitter. Criteria: Invitae Variant Classification Sherloc (09022015). Collection method: clinical testing. Allele origin: germline.

CeGaT Center for Human Genetics Tuebingen
Classification: Likely benign. Last evaluated: 2022-05-01. Review status: criteria provided, single submitter. Criteria: CeGaT Center For Human Genetics Tuebingen Variant Classification Criteria Version 2. Collection method: clinical testing. Allele origin: germline. Affected: yes. Observed: 2 variant alleles.
Comment: NLRP1: BP4, BP7

NM_033004.4(NLRP1):c.3153A>G (p.Val1051=)

Gene: NLRP1 (NLR family pyrin domain containing 1; minus strand). Cytogenetic location: 17p13.2.
Variant type: single nucleotide variant.
Coding change: c.3153A>G on transcript NM_033004.4 (MANE Select); coding-DNA position 3153, A replaced by G.
Protein change: p.Val1051=; no amino-acid change (valine 1051 retained).
Molecular consequence: synonymous variant.
Genome position (GRCh38, 1-based): chr17:5,532,965, T>C on the plus strand (A>G on the coding strand, the complement: NLRP1 is on the minus strand). VCF-style: chr17-5532965-T-C. GRCh37 (hg19) VCF-style: chr17-5436285-T-C.
Other names: c.3165A>G, p.Val1055= (NM_001033053.3); c.3153A>G, p.Val1051= (NM_014922.5); c.3063A>G, p.Val1021= (NM_033006.4, NM_033007.4).
Identifiers: ClinVar variation 808205 (VCV000808205.47), dbSNP rs202226497, ClinGen allele CA8326911.
Genomic context (GRCh38, chr17:5,532,965, plus strand): 5'-CTTCGTATGCAGGTCCCCTTGAGAGGCAGGAGAAGGCACGCACAAGAGTTCCACCGGTAC[T>C]ACCTCTGGGGAGCTTTCCTCTGAAACAGCAAGGCAGCGGTCAGCTCCAGATTCTCCCGCC-3'
Protein context (NP_127497.1, residues 1041-1061): AEIAEESSPE[Val1051=]VPVELLCVPS